The following is an entry in ClinVar:

ClinVar aggregate classification (germline): Likely benign. Review status: criteria provided, multiple submitters, no conflicts (2 of 4 stars). 4 submissions from 4 submitters: Likely benign (4). Last evaluated 2026-02-01.

Allele frequency attached by ClinVar (database versions not stated): gnomAD exomes 0.00155; ExAC 0.00358; gnomAD 0.00638; 1000 Genomes Project 30x 0.00718.

Submissions (4):

CeGaT Center for Human Genetics Tuebingen
Classification: Likely benign. Last evaluated: 2026-02-01. Review status: criteria provided, single submitter. Criteria: CeGaT Center For Human Genetics Tuebingen Variant Classification Criteria Version 2. Collection method: clinical testing. Allele origin: germline. Affected: yes. Observed: 8 variant alleles.
Comment: HERC2: BP4, BS1

GeneDx
Classification: Likely benign. Last evaluated: 2017-09-05. Review status: criteria provided, single submitter. Criteria: GeneDx Variant Classification (06012015). Collection method: clinical testing. Allele origin: germline. Affected: yes.
Comment: This variant is considered likely benign or benign based on one or more of the following criteria: it is a conservative change, it occurs at a poorly conserved position in the protein, it is predicted to be benign by multiple in silico algorithms, and/or has population frequency not consistent with disease.

Center for Pediatric Genomic Medicine, Children's Mercy Hospital and Clinics
Classification: Likely benign. Last evaluated: 2017-01-23. Review status: criteria provided, single submitter. Criteria: ACMG Guidelines, 2015. Collection method: clinical testing. Allele origin: germline.
ClinVar note: Converted during submission from Likely Benign to Likely benign.

Breakthrough Genomics
Classification: Likely benign. Review status: criteria provided, single submitter. Criteria: ACMG Guidelines, 2015. Collection method: not provided. Allele origin: germline. Inheritance: Autosomal recessive inheritance. Affected: yes.

NM_004667.6(HERC2):c.7058C>G (p.Thr2353Ser)

Gene: HERC2 (HECT and RLD domain containing E3 ubiquitin protein ligase 2; minus strand). Cytogenetic location: 15q13.1.
Variant type: single nucleotide variant.
Coding change: c.7058C>G on transcript NM_004667.6 (MANE Select); coding-DNA position 7058, C replaced by G.
Protein change: p.Thr2353Ser; replaces threonine 2353 with serine.
Molecular consequence: missense variant.
Genome position (GRCh38, 1-based): chr15:28,211,013, G>C on the plus strand (C>G on the coding strand, the complement: HERC2 is on the minus strand). VCF-style: chr15-28211013-G-C. GRCh37 (hg19) VCF-style: chr15-28456159-G-C.
Other names: short protein forms T2353S.
Identifiers: ClinVar variation 376985 (VCV000376985.27), dbSNP rs145370046, ClinGen allele CA7441887.
Genomic context (GRCh38, chr15:28,211,013, plus strand): 5'-CTTTCTACTGCCCTTCTTATAAAGATTTAAGAACTTTTTAAAAAGACACCTGTGTGAACA[G>C]TTCCAGTCTCCTGAACAGCTGGCTGAGACAGGATCTGCCGCAGTTTATCCTGGTGGGAGA-3'
Protein context (NP_004658.3, residues 2343-2363): LSQPAVQETG[Thr2353Ser]VHTDDGAVVS